The following is an entry in ClinVar:

NM_000059.4(BRCA2):c.7594C>T (p.Pro2532Ser)

Gene: BRCA2 (BRCA2 DNA repair associated; plus strand). Cytogenetic location: 13q13.1.
Variant type: single nucleotide variant.
Coding change: c.7594C>T on transcript NM_000059.4 (MANE Select); coding-DNA position 7594, C replaced by T.
Protein change: p.Pro2532Ser; replaces proline 2532 with serine.
Molecular consequence: missense variant.
Genome position (GRCh38, 1-based): chr13:32,356,586, C>T. VCF-style: chr13-32356586-C-T. GRCh37 (hg19) VCF-style: chr13-32930723-C-T.
Other names: 7822C>T; short protein forms P2532S.
Identifiers: ClinVar variation 38107 (VCV000038107.19), dbSNP rs397507388, ClinGen allele CA025167.
Genomic context (GRCh38, chr13:32,356,586, plus strand): 5'-CTTGCAAAAACATCCACTCTGCCTCGAATCTCTCTGAAAGCAGCAGTAGGAGGCCAAGTT[C>T]CCTCTGCGTGTTCTCATAAACAGGTATGTGTTTGTCTACAATACTGATGGCTTTTATGAC-3'
Protein context (NP_000050.3, residues 2522-2542): SLKAAVGGQV[Pro2532Ser]SACSHKQLYT

ClinVar aggregate classification (germline): Conflicting classifications of pathogenicity. Review status: criteria provided, conflicting classifications (1 of 4 stars). 5 submissions from 5 submitters: Uncertain significance (2); Likely benign (1). 2 of the submissions do not count toward it. Last evaluated 2025-09-22.

Conditions:
Hereditary cancer-predisposing syndrome. Also called: Tumor predisposition; Neoplastic Syndromes, Hereditary; Hereditary neoplastic syndrome; Hereditary Cancer Syndrome. Identifiers: Orphanet 140162, MedGen C0027672, MeSH D009386, MONDO:0015356.
Hereditary breast ovarian cancer syndrome. Also called: Hereditary breast and ovarian cancer; Hereditary breast and ovarian cancer syndrome (HBOC); Hereditary breast and/or ovarian cancer syndrome; Breast and ovarian cancer; Hereditary breast and ovarian cancer syndrome; BRCA1- and BRCA2-Associated Hereditary Breast and Ovarian Cancer. Identifiers: Orphanet 145, MedGen C0677776, MeSH D061325, MONDO:0003582. Disease mechanism: loss of function.
Breast-ovarian cancer, familial, susceptibility to, 2 (BROVCA2). Also called: BRCA2 Hereditary Breast and Ovarian Cancer. Identifiers: Orphanet 145, MedGen C2675520, MONDO:0012933, OMIM 612555. Disease mechanism: loss of function.
Familial cancer of breast. Also called: Hereditary breast cancer; BREAST CANCER, FAMILIAL; hereditary breast carcinoma. Identifiers: Orphanet 227535, MedGen C0346153, MONDO:0016419, OMIM 114480. Disease mechanism: loss of function.

Allele frequency attached by ClinVar (database versions not stated): gnomAD exomes below 0.00001.
gnomAD v4.1: 1 of 1,614,220 alleles (0.000062%); highest among the groups gnomAD compares: Non-Finnish European, 0.000085%; no homozygotes.

Submissions (5):

Labcorp Genetics (formerly Invitae), Labcorp
Classification: Uncertain significance for Hereditary breast ovarian cancer syndrome. Last evaluated: 2025-09-22. Review status: criteria provided, single submitter. Criteria: Invitae Variant Classification Sherloc (09022015). Collection method: clinical testing. Allele origin: germline.
Comment: This sequence change replaces proline, which is neutral and non-polar, with serine, which is neutral and polar, at codon 2532 of the BRCA2 protein (p.Pro2532Ser). This variant is not present in population databases (gnomAD no frequency). This variant has not been reported in the literature in individuals affected with BRCA2-related conditions. ClinVar contains an entry for this variant (Variation ID: 38107). Invitae Evidence Modeling of protein sequence and biophysical properties (such as structural, functional, and spatial information, amino acid conservation, physicochemical variation, residue mobility, and thermodynamic stability) indicates that this missense variant is not expected to disrupt BRCA2 protein function with a negative predictive value of 95%. In summary, the available evidence is currently insufficient to determine the role of this variant in disease. Therefore, it has been classified as a Variant of Uncertain Significance.

Ambry Genetics
Classification: Likely benign for Hereditary cancer-predisposing syndrome. Last evaluated: 2025-05-15. Review status: criteria provided, single submitter. Criteria: Ambry Variant Classification Scheme 2023. Collection method: clinical testing. Allele origin: germline.

Baylor Genetics
Classification: Uncertain significance for Familial cancer of breast. Last evaluated: 2023-05-22. Review status: criteria provided, single submitter. Criteria: ACMG Guidelines, 2015. Collection method: clinical testing. Allele origin: unknown.

Counsyl
Classification: Uncertain significance for Breast-ovarian cancer, familial, susceptibility to, 2. Last evaluated: 2017-08-25. Review status: no assertion criteria provided. Collection method: clinical testing. Allele origin: unknown. Not counted in ClinVar's aggregate classification.

Sharing Clinical Reports Project (SCRP)
Classification: Uncertain significance for Breast-ovarian cancer, familial 2. Last evaluated: 2011-05-26. Review status: no assertion criteria provided. Collection method: clinical testing. Allele origin: germline. Not counted in ClinVar's aggregate classification.